The following is an entry in ClinVar:

NM_002900.3(RBP3):c.727G>A (p.Ala243Thr)

Gene: RBP3 (retinol binding protein 3; plus strand). Cytogenetic location: 10q11.22.
Variant type: single nucleotide variant.
Coding change: c.727G>A on transcript NM_002900.3 (MANE Select); coding-DNA position 727, G replaced by A.
Protein change: p.Ala243Thr; replaces alanine 243 with threonine.
Molecular consequence: missense variant.
Genome position (GRCh38, 1-based): chr10:47,349,211, G>A. VCF-style: chr10-47349211-G-A. GRCh37 (hg19) VCF-style: chr10-48390151-C-T.
Other names: short protein forms A243T.
Identifiers: ClinVar variation 426439 (VCV000426439.10), dbSNP rs149256669, ClinGen allele CA5487711.

ClinVar aggregate classification (germline): Uncertain significance. Review status: criteria provided, multiple submitters, no conflicts (2 of 4 stars). 4 submissions from 4 submitters: Uncertain significance (4). Last evaluated 2024-11-05.

Conditions:
Inborn genetic diseases. Identifiers: MedGen C0950123, MeSH D030342.

Allele frequency attached by ClinVar (database versions not stated): gnomAD exomes 0.00011 and 0.00018; ExAC 0.00014; 1000 Genomes Project 30x 0.00016; 1000 Genomes Project 0.00020; TOPMed 0.00025; ESP Exome Variant Server 0.00031.

Submissions (4):

Labcorp Genetics (formerly Invitae), Labcorp
Classification: Uncertain significance. Last evaluated: 2024-11-05. Review status: criteria provided, single submitter. Criteria: Invitae Variant Classification Sherloc (09022015). Collection method: clinical testing. Allele origin: germline.
Comment: This sequence change replaces alanine, which is neutral and non-polar, with threonine, which is neutral and polar, at codon 243 of the RBP3 protein (p.Ala243Thr). This variant is present in population databases (rs149256669, gnomAD 0.05%). This variant has not been reported in the literature in individuals affected with RBP3-related conditions. ClinVar contains an entry for this variant (Variation ID: 426439). Invitae Evidence Modeling of protein sequence and biophysical properties (such as structural, functional, and spatial information, amino acid conservation, physicochemical variation, residue mobility, and thermodynamic stability) indicates that this missense variant is not expected to disrupt RBP3 protein function with a negative predictive value of 80%. In summary, the available evidence is currently insufficient to determine the role of this variant in disease. Therefore, it has been classified as a Variant of Uncertain Significance.

Blueprint Genetics
Classification: Uncertain significance. Last evaluated: 2024-07-04. Review status: criteria provided, single submitter. Criteria: ACMG Guidelines, 2015. Collection method: clinical testing. Allele origin: germline.

Ambry Genetics
Classification: Uncertain significance for Inborn genetic diseases. Last evaluated: 2023-12-20. Review status: criteria provided, single submitter. Criteria: Ambry Variant Classification Scheme 2023. Collection method: clinical testing. Allele origin: germline.

GeneDx
Classification: Uncertain significance. Last evaluated: 2017-04-17. Review status: criteria provided, single submitter. Criteria: GeneDx Variant Classification (06012015). Collection method: clinical testing. Allele origin: germline. Affected: yes.
Comment: The A243T variant in the RBP3 gene has not been reported previously as a pathogenic variant, nor as a benign variant, to our knowledge. The A243T variant is observed in 5/10214 (0.05%) alleles from individuals of African background in large population cohorts (Lek et al., 2016; 1000 Genomes Consortium et al., 2015; Exome Variant Server). The A243T variant is a non-conservative amino acid substitution, which is likely to impact secondary protein structure as these residues differ in polarity, charge, size and/or other properties. However, this substitution occurs at a position that is not conserved, and in silico analysis is inconsistent in its predictions as to whether or not the variant is damaging to the protein structure/function. We interpret A243T as a variant of uncertain significance.